The following is an entry in ClinVar:

NM_000023.4(SGCA):c.290A>G (p.Asp97Gly)

Gene: SGCA (sarcoglycan alpha; plus strand). Cytogenetic location: 17q21.33.
Variant type: single nucleotide variant.
Coding change: c.290A>G on transcript NM_000023.4 (MANE Select); coding-DNA position 290, A replaced by G.
Protein change: p.Asp97Gly; replaces aspartic acid 97 with glycine.
Molecular consequence: missense variant. On other transcripts: non-coding transcript variant (1).
Genome position (GRCh38, 1-based): chr17:50,167,714, A>G. VCF-style: chr17-50167714-A-G. GRCh37 (hg19) VCF-style: chr17-48245075-A-G.
Other names: c.290A>G, p.Asp97Gly (NM_001135697.3); c.290A>G (NM_000023.3); short protein forms D97G.
Identifiers: ClinVar variation 549996 (VCV000549996.4), dbSNP rs1555568396, ClinGen allele CA400177882.

ClinVar aggregate classification (germline): Likely pathogenic. Review status: criteria provided, multiple submitters, no conflicts (2 of 4 stars). 3 submissions from 3 submitters: Likely pathogenic (2). 1 of the submissions does not count toward it. Last evaluated 2025-12-26.

Conditions:
Autosomal recessive limb-girdle muscular dystrophy type 2D (LGMDR3). Also called: MUSCULAR DYSTROPHY, LIMB-GIRDLE, AUTOSOMAL RECESSIVE 3; DUCHENNE-LIKE AUTOSOMAL RECESSIVE MUSCULAR DYSTROPHY, TYPE 2; ADHALINOPATHY, PRIMARY. Identifiers: Orphanet 62, MedGen C2936332, MONDO:0011968, OMIM 608099. Disease mechanism: Affects gamma-sarcoglycan and also disrupts the integrity of the entire sarcoglycan complex..

Submissions (3):

Myriad Genetics, Inc.
Classification: Likely pathogenic for Autosomal recessive limb-girdle muscular dystrophy type 2D. Last evaluated: 2025-12-26. Review status: criteria provided, single submitter. Criteria: Myriad Autosomal Dominant, Autosomal Recessive and X-Linked Classification Criteria (2023). Collection method: clinical testing. Allele origin: unknown.
Comment: NM_000023.2(SGCA):c.290A>G(D97G) is a missense variant classified as likely pathogenic in the context of alpha-sarcoglycanopathy. D97G has been observed in cases with relevant disease (PMID: 9032047, 8866424, 25135358, 17994539). Relevant functional assessments of this variant are available in the literature (PMID: 18535179). D97G has not been observed in referenced population frequency databases. In summary, NM_000023.2(SGCA):c.290A>G(D97G) is a missense variant that has functional support for pathogenicity and has been observed more frequently in cases with the relevant disease than in healthy populations. Please note: this variant was assessed in the context of healthy population screening.

Natera, Inc.
Classification: Likely pathogenic for Limb-girdle muscular dystrophy type 2D. Last evaluated: 2024-03-05. Review status: criteria provided, single submitter. Criteria: Natera Variant Classification Schema (03/2026). Collection method: clinical testing. Allele origin: germline.
Comment: The c.290A>G variant in SGCA is a missense variant predicted to cause substitution of aspartic acid to glycine at amino acid 97. This variant is rare in the general population with a frequency below the threshold expected for the associated phenotype(s). This variant has been observed in one or more individuals affected with the associated recessive disease, as either homozygous or compound heterozygous with a second variant (PMID: 25135358, 17994539). Functional studies show that this variant may disrupt protein function (PMID: 18535179, 29351619). Computational prediction algorithms indicate this variant is likely to affect gene or protein function. Given the available evidence, this variant is classified as Likely Pathogenic.

Counsyl
Classification: Likely pathogenic for Autosomal recessive limb-girdle muscular dystrophy type 2D. Last evaluated: 2017-04-21. Review status: no assertion criteria provided. Collection method: clinical testing. Allele origin: unknown. Not counted in ClinVar's aggregate classification.

Literature cited by the submitters: PubMed 17994539 (cited by 3 submitters); PubMed 18535179 (cited by 3 submitters); PubMed 25135358 (cited by 3 submitters); PubMed 8866424 (cited by Myriad Genetics, Inc. and Counsyl); PubMed 9032047 (cited by Myriad Genetics, Inc. and Counsyl); PubMed 29351619 (cited by Natera, Inc.).